The following is an entry in ClinVar:

NM_000535.7(PMS2):c.2445+9del

Gene: PMS2 (PMS1 homolog 2, mismatch repair system component; minus strand). Cytogenetic location: 7p22.1.
Variant type: Deletion.
Coding change: c.2445+9del on transcript NM_000535.7 (MANE Select); 9 bases into the intron after coding-DNA position 2445, one base deleted (A; older notation c.2445+9delA).
Molecular consequence: intron variant.
Genome position (GRCh38, 1-based): chr7:5,977,579, T deleted on the plus strand (A on the coding strand, the reverse complement: PMS2 is on the minus strand); the first of 3 consecutive T bases (chr7:5,977,579-5,977,581); deleting any one gives the same sequence. VCF-style (leftmost placement, unchanged base first): chr7-5977578-CT-C. GRCh37 (hg19) VCF-style: chr7-6017209-CT-C.
Other names: c.2445+9del (NM_000535.5); c.2127+9del (NM_001322008.2, NM_001322007.2); c.1884+9del (NM_001322010.2); c.2040+9del (NM_001322004.2, NM_001322003.2, NM_001322005.2); c.1872+9del (NM_001322013.2); c.1512+9del (NM_001322012.2, NM_001322011.2); c.2136+9del (NM_001322015.2); c.2289+9del (NM_001322006.2); and 2 more.
Identifiers: ClinVar variation 418846 (VCV000418846.12), dbSNP rs1064793472, ClinGen allele CA16618485.

ClinVar aggregate classification (germline): Likely benign. Review status: criteria provided, multiple submitters, no conflicts (2 of 4 stars). 3 submissions from 3 submitters: Likely benign (3). Last evaluated 2025-12-16.

Conditions:
Hereditary nonpolyposis colorectal neoplasms. Identifiers: MedGen C0009405, MeSH D003123.
Lynch syndrome 4 (LYNCH4). Also called: Colorectal cancer, hereditary nonpolyposis, type 4; Hereditary non-polyposis colorectal cancer, type 4. Identifiers: Orphanet 144, MedGen C1838333, MONDO:0013699, OMIM 614337. Disease mechanism: loss of function.

Submissions (3):

Labcorp Genetics (formerly Invitae), Labcorp
Classification: Likely benign for Hereditary nonpolyposis colorectal neoplasms. Last evaluated: 2025-12-16. Review status: criteria provided, single submitter. Criteria: Invitae Variant Classification Sherloc (09022015). Collection method: clinical testing. Allele origin: germline.

Myriad Genetics, Inc.
Classification: Likely benign for Lynch syndrome 4. Last evaluated: 2025-02-04. Review status: criteria provided, single submitter. Criteria: Myriad Autosomal Dominant, Autosomal Recessive and X-Linked Classification Criteria (2023). Collection method: clinical testing. Allele origin: unknown.
Comment: This variant is considered likely benign. This variant is intronic and is not expected to impact mRNA splicing.

GeneDx
Classification: Likely benign. Last evaluated: 2016-05-23. Review status: criteria provided, single submitter. Criteria: GeneDx Variant Classification (06012015). Collection method: clinical testing. Allele origin: germline. Affected: yes.
Comment: This variant is considered likely benign or benign based on one or more of the following criteria: it is a conservative change, it occurs at a poorly conserved position in the protein, it is predicted to be benign by multiple in silico algorithms, and/or has population frequency not consistent with disease.